The following is an entry in ClinVar:

NM_000257.4(MYH7):c.4972G>A (p.Asp1658Asn)

Genes: MHRT (myosin heavy chain associated RNA transcript; plus strand), MYH7 (myosin heavy chain 7; minus strand), LOC126861897 (BRD4-independent group 4 enhancer GRCh37_chr14:23884455-23885654; plus strand). Cytogenetic location: 14q11.2.
Variant type: single nucleotide variant.
Coding change: c.4972G>A on transcript NM_000257.4 (MANE Select); coding-DNA position 4972, G replaced by A.
Protein change: p.Asp1658Asn; replaces aspartic acid 1658 with asparagine.
Molecular consequence: missense variant. On other transcripts: non-coding transcript variant (1).
Genome position (GRCh38, 1-based): chr14:23,415,814, C>T on the plus strand (G>A on the coding strand, the complement: MYH7 is on the minus strand). VCF-style: chr14-23415814-C-T. GRCh37 (hg19) VCF-style: chr14-23885023-C-T.
Other names: c.4972G>A, p.Asp1658Asn (NM_001407004.1); short protein forms D1658N.
Identifiers: ClinVar variation 3071162 (VCV003071162.1), dbSNP rs2502243239, ClinGen allele CA389037221.

ClinVar aggregate classification (germline): Uncertain significance (1 of 4 stars; one submission).

Conditions:
Cardiomyopathy (CMYO). Also called: Cardiomyopathies. Identifiers: Orphanet 167848, MedGen C0878544, MONDO:0004994, HP:0001638. Inheritance: Various modes of inheritance.

Submission:

All of Us Research Program, National Institutes of Health
Classification: Uncertain significance for Cardiomyopathy. Last evaluated: 2023-05-31. Review status: criteria provided, single submitter. Criteria: ACMG Guidelines, 2015. Collection method: clinical testing. Allele origin: germline. Inheritance: Autosomal dominant inheritance. Observed: 1 variant allele, 1 heterozygote.
Comment: This study involves interpretation of variants in research participants for the purpose of population health screening. Participant phenotype was not available at the time of variant classification. Additional details can be found in publication PMID: 35346344, PMCID: PMC8962531